The following is an entry in ClinVar:

NM_006005.3(WFS1):c.2125G>A (p.Val709Met)

Gene: WFS1 (wolframin ER transmembrane glycoprotein; plus strand). Cytogenetic location: 4p16.1.
Variant type: single nucleotide variant.
Coding change: c.2125G>A on transcript NM_006005.3 (MANE Select); coding-DNA position 2125, G replaced by A.
Protein change: p.Val709Met; replaces valine 709 with methionine.
Molecular consequence: missense variant.
Genome position (GRCh38, 1-based): chr4:6,301,920, G>A. VCF-style: chr4-6301920-G-A. GRCh37 (hg19) VCF-style: chr4-6303647-G-A.
Other names: c.2125G>A, p.Val709Met (NM_001145853.1); short protein forms V709M.
Identifiers: ClinVar variation 1415749 (VCV001415749.11), dbSNP rs761216725, ClinGen allele CA2839607.

ClinVar aggregate classification (germline): Uncertain significance. Review status: criteria provided, multiple submitters, no conflicts (2 of 4 stars). 5 submissions from 5 submitters: Uncertain significance (5). Last evaluated 2024-12-14.

Conditions:
Autosomal dominant nonsyndromic hearing loss 6 (LFSNHL). Also called: DEAFNESS, AUTOSOMAL DOMINANT 6; DEAFNESS, AUTOSOMAL DOMINANT 14; DEAFNESS, AUTOSOMAL DOMINANT 38; Autosomal dominant nonsyndromic deafness 6. Identifiers: Orphanet 90635, MedGen C1833021, MONDO:0010963, OMIM 600965.
Type 2 diabetes mellitus. Also called: Type II diabetes mellitus. Identifiers: MedGen C0011860, MeSH D003924, MONDO:0005148, OMIM 125853, HP:0005978.
Cataract 41 (CTRCT41). Also called: CATARACT 41, CONGENITAL NUCLEAR TYPE. Identifiers: Orphanet 91492, Orphanet 98991, Orphanet 98992, Orphanet 98995, MedGen C3805412, MONDO:0007287, OMIM 116400.
Wolfram syndrome 1 (WFS1). Identifiers: Orphanet 3463, MedGen C4551693, MONDO:0009101, OMIM 222300.
Wolfram-like syndrome. Also called: HEARING LOSS, PROGRESSIVE, WITH OPTIC ATROPHY AND/OR IMPAIRED GLUCOSE REGULATION. Identifiers: Orphanet 411590, MedGen C3280358, MONDO:0013673, OMIM 614296.

Allele frequency attached by ClinVar (database versions not stated): gnomAD 0.00002 and 0.00003; gnomAD exomes 0.00002 and 0.00003; TOPMed 0.00002; ExAC 0.00004.
gnomAD v4.1: 40 of 1,612,820 alleles (0.0025%); highest among the groups gnomAD compares: East Asian, 0.0089%; no homozygotes.

Submissions (5):

Labcorp Genetics (formerly Invitae), Labcorp
Classification: Uncertain significance. Last evaluated: 2024-12-14. Review status: criteria provided, single submitter. Criteria: Invitae Variant Classification Sherloc (09022015). Collection method: clinical testing. Allele origin: germline.
Comment: This sequence change replaces valine, which is neutral and non-polar, with methionine, which is neutral and non-polar, at codon 709 of the WFS1 protein (p.Val709Met). This variant is present in population databases (rs761216725, gnomAD 0.02%). This missense change has been observed in individual(s) with type 1 diabetes (PMID: 31264968). ClinVar contains an entry for this variant (Variation ID: 1415749). Invitae Evidence Modeling of protein sequence and biophysical properties (such as structural, functional, and spatial information, amino acid conservation, physicochemical variation, residue mobility, and thermodynamic stability) has been performed for this missense variant. However, the output from this modeling did not meet the statistical confidence thresholds required to predict the impact of this variant on WFS1 protein function. In summary, the available evidence is currently insufficient to determine the role of this variant in disease. Therefore, it has been classified as a Variant of Uncertain Significance.

GeneDx
Classification: Uncertain significance. Last evaluated: 2024-10-11. Review status: criteria provided, single submitter. Criteria: GeneDx Variant Classification Process June 2021. Collection method: clinical testing. Allele origin: germline. Affected: yes.
Comment: Identified as heterozygous in an individual with type I diabetes; additional clinical information was not provided (PMID: 31264968); In silico analysis indicates that this missense variant does not alter protein structure/function; This variant is associated with the following publications: (PMID: 31264968)

Fulgent Genetics
Classification: Uncertain significance for Cataract 41; Type 2 diabetes mellitus; Wolfram syndrome 1; Autosomal dominant nonsyndromic hearing loss 6; Wolfram-like syndrome. Last evaluated: 2024-04-15. Review status: criteria provided, single submitter. Criteria: ACMG Guidelines, 2015. Collection method: clinical testing. Allele origin: germline.

Blueprint Genetics
Classification: Uncertain significance. Last evaluated: 2023-12-28. Review status: criteria provided, single submitter. Criteria: ACMG Guidelines, 2015. Collection method: clinical testing. Allele origin: germline.

Juno Genomics, Hangzhou Juno Genomics, Inc
Classification: Uncertain significance for Autosomal dominant nonsyndromic hearing loss 6. Review status: criteria provided, single submitter. Criteria: ACMG Guidelines, 2015. Collection method: clinical testing. Allele origin: germline. Affected: yes.
Comment: Absent from controls (or at extremely low frequency if recessive) in Genome Aggregation Database, Exome Sequencing Project, 1000 Genomes Project, or Exome Aggregation Consortium.;Multiple lines of computational evidence support a deleterious effect on the gene or gene product (conservation, evolutionary, splicing impact, etc).

Literature cited by the submitters: PubMed 31264968 (cited by Labcorp Genetics (formerly Invitae), Labcorp).